The following is an entry in ClinVar:

ClinVar aggregate classification (germline): Pathogenic (1 of 4 stars; one submission).

Submission:

ARUP Laboratories, Molecular Genetics and Genomics, ARUP Laboratories
Classification: Pathogenic. Last evaluated: 2023-12-20. Review status: criteria provided, single submitter. Criteria: ARUP Molecular Germline Variant Investigation Process 2024. Collection method: clinical testing. Allele origin: germline.
Comment: The CHD7 c.6973G>T; p.Glu2325Ter variant, to our knowledge, is not reported in the medical or gene specific databases. This variant is absent from the Genome Aggregation Database (v2.1.1), indicating it is not a common polymorphism. This variant induces an early termination codon and is predicted to result in a truncated protein or mRNA subject to nonsense-mediated decay. Loss-of-function variants further downstream have been reported in individuals with CHARGE syndrome (Aramaki 2006, Bartels 2010, Lalani 2006). Based on available information, the p.Glu2325Ter variant is considered to be pathogenic. REFERENCES Aramaki M et al. Phenotypic spectrum of CHARGE syndrome with CHD7 mutations. J Pediatr. 2006 Mar;148(3):410-4. PMID: 16615981. Bartels CF et al. Mutations in the CHD7 gene: the experience of a commercial laboratory. Genet Test Mol Biomarkers. 2010 Dec;14(6):881-91. PMID: 21158681. Lalani SR et al. Spectrum of CHD7 mutations in 110 individuals with CHARGE syndrome and genotype-phenotype correlation. Am J Hum Genet. 2006 Feb;78(2):303-14. PMID: 16400610.

NM_017780.4(CHD7):c.6973G>T (p.Glu2325Ter)

Gene: CHD7 (chromodomain helicase DNA binding protein 7; plus strand). Cytogenetic location: 8q12.2.
Variant type: single nucleotide variant.
Coding change: c.6973G>T on transcript NM_017780.4 (MANE Select); coding-DNA position 6973, G replaced by T.
Protein change: p.Glu2325Ter; replaces glutamic acid 2325 with a stop codon.
Molecular consequence: nonsense. On other transcripts: intron variant (1).
Genome position (GRCh38, 1-based): chr8:60,856,011, G>T. VCF-style: chr8-60856011-G-T. GRCh37 (hg19) VCF-style: chr8-61768570-G-T.
Other names: c.1717-6218G>T (NM_001316690.1); short protein forms E2325*.
Identifiers: ClinVar variation 3766756 (VCV003766756.1).